The following is an entry in ClinVar:

NM_000055.4(BCHE):c.1102del (p.Asp368fs)

Gene: BCHE (butyrylcholinesterase; minus strand). Cytogenetic location: 3q26.1.
Variant type: Deletion.
Coding change: c.1102del on transcript NM_000055.4 (MANE Select); coding-DNA position 1102, one base deleted (G; older notation c.1102delG).
Protein change: p.Asp368fs; shifts the reading frame from aspartic acid 368.
Molecular consequence: frameshift variant. On other transcripts: non-coding transcript variant (1).
Genome position (GRCh38, 1-based): chr3:165,829,932, C deleted on the plus strand (G on the coding strand, the reverse complement: BCHE is on the minus strand). VCF-style (leftmost placement, unchanged base first): chr3-165829931-TC-T. GRCh37 (hg19) VCF-style: chr3-165547719-TC-T.
Other names: short protein forms D368fs.
Identifiers: ClinVar variation 5003513 (VCV005003513.1).

ClinVar aggregate classification (germline): Pathogenic (1 of 4 stars; one submission).

Conditions:
Deficiency of butyrylcholinesterase (BCHED). Also called: BCHE, silent 1; Acholinesterasemia; Butyrylcholinesterase deficiency; Deficiency of butyrylcholine esterase. Identifiers: Orphanet 132, MedGen C1283400, MONDO:0015270, OMIM 617936.

Submission:

Myriad Genetics, Inc.
Classification: Pathogenic for Deficiency of butyrylcholinesterase. Last evaluated: 2026-01-27. Review status: criteria provided, single submitter. Criteria: Myriad Autosomal Dominant, Autosomal Recessive and X-Linked Classification Criteria (2023). Collection method: clinical testing. Allele origin: unknown.
Comment: NM_000055.2(BCHE):c.1102delG(D368Ifs*6) is a frameshift variant classified as pathogenic in the context of pseudocholinesterase deficiency. D368Ifs*6 has not been observed in cases with relevant disease. Relevant functional assessments of this variant are not available in the literature. D368Ifs*6 has been observed in referenced population frequency databases. In summary, NM_000055.2(BCHE):c.1102delG(D368Ifs*6) is a frameshift variant in a gene where loss of function is a known mechanism of disease and is predicted to disrupt protein function. Please note: this variant was assessed in the context of healthy population screening.